The following is an entry in ClinVar:

NM_018668.5(VPS33B):c.648C>T (p.Gly216=)

Gene: VPS33B (VPS33B late endosome and lysosome associated; minus strand). Cytogenetic location: 15q26.1.
Variant type: single nucleotide variant.
Coding change: c.648C>T on transcript NM_018668.5 (MANE Select); coding-DNA position 648, C replaced by T.
Protein change: p.Gly216=; no amino-acid change (glycine 216 retained).
Molecular consequence: synonymous variant.
Genome position (GRCh38, 1-based): chr15:91,007,002, G>A on the plus strand (C>T on the coding strand, the complement: VPS33B is on the minus strand). VCF-style: chr15-91007002-G-A. GRCh37 (hg19) VCF-style: chr15-91550232-G-A.
Other names: p.Gly216=; c.567C>T, p.Gly189= (NM_001289148.1); c.375C>T, p.Gly125= (NM_001289149.1).
Identifiers: ClinVar variation 261047 (VCV000261047.20), dbSNP rs59648701, ClinGen allele CA7744968.

ClinVar aggregate classification (germline): Benign. Review status: criteria provided, multiple submitters, no conflicts (2 of 4 stars). 6 submissions from 6 submitters: Benign (6). Last evaluated 2026-02-01.

Conditions:
Arthrogryposis, renal dysfunction, and cholestasis 1 (ARCS1). Identifiers: Orphanet 2697, MedGen C1859722, MONDO:0008822, OMIM 208085.

Allele frequency attached by ClinVar (database versions not stated): gnomAD exomes 0.00222 and 0.00546; ExAC 0.00662; gnomAD 0.01818 and 0.01941; TOPMed 0.02058; ESP Exome Variant Server 0.02325; 1000 Genomes Project 0.02396; 1000 Genomes Project 30x 0.02452.
gnomAD v4.1: 6,187 of 1,613,718 alleles (0.38%); highest among the groups gnomAD compares: African/African-American, 6%; 156 homozygotes.

Submissions (12):

Labcorp Genetics (formerly Invitae), Labcorp
Classification: Benign. Last evaluated: 2026-02-01. Review status: criteria provided, single submitter. Criteria: Invitae Variant Classification Sherloc (09022015). Collection method: clinical testing. Allele origin: germline.

Mayo Clinic Laboratories, Mayo Clinic
Classification: Benign. Last evaluated: 2023-09-24. Review status: criteria provided, single submitter. Criteria: ACMG Guidelines, 2015. Collection method: clinical testing. Allele origin: germline. Observed: 19 variant alleles.

GeneDx
Classification: Benign. Last evaluated: 2020-01-11. Review status: criteria provided, single submitter. Criteria: GeneDx Variant Classification Process June 2021. Collection method: clinical testing. Allele origin: germline. Affected: yes.

Illumina Laboratory Services, Illumina
Classification: Benign for Arthrogryposis, renal dysfunction, and cholestasis 1. Last evaluated: 2018-01-13. Review status: criteria provided, single submitter. Criteria: ICSL Variant Classification Criteria 13 December 2019. Collection method: clinical testing. Allele origin: germline.
Comment: This variant was observed in the ICSL laboratory as part of a predisposition screen in an ostensibly healthy population. It had not been previously curated by ICSL or reported in the Human Gene Mutation Database (HGMD: prior to June 1st, 2018), and was therefore a candidate for classification through an automated scoring system. Utilizing variant allele frequency, disease prevalence and penetrance estimates, and inheritance mode, an automated score was calculated to assess if this variant is too frequent to cause the disease. Based on the score and internal cut-off values, a variant classified as benign is not then subjected to further curation. The score for this variant resulted in a classification of benign for this disease.

Breakthrough Genomics
Classification: Benign. Review status: criteria provided, single submitter. Criteria: ACMG Guidelines, 2015. Collection method: not provided. Allele origin: germline. Inheritance: Autosomal recessive inheritance. Affected: yes.

PreventionGenetics, part of Exact Sciences
Classification: Benign. Review status: criteria provided, single submitter. Criteria: ACMG Guidelines, 2015. Collection method: clinical testing. Allele origin: germline.

Dr. Peter K. Rogan Lab, Western University
No classification provided (evidence only). Condition: Uterine corpus endometrial carcinoma. Review status: no classification provided. Collection method: in vitro. Allele origin: not applicable. Functional consequence: retained intron. Not counted in ClinVar's aggregate classification.

Dr. Peter K. Rogan Lab, Western University
No classification provided (evidence only). Condition: Uterine corpus endometrial carcinoma. Review status: no classification provided. Collection method: in vitro. Allele origin: not applicable. Functional consequence: retained intron. Not counted in ClinVar's aggregate classification.

Dr. Peter K. Rogan Lab, Western University
No classification provided (evidence only). Condition: Cervical cancer. Review status: no classification provided. Collection method: in vitro. Allele origin: not applicable. Functional consequence: skipped exon. Not counted in ClinVar's aggregate classification.

Dr. Peter K. Rogan Lab, Western University
No classification provided (evidence only). Condition: Ovarian serous cystadenocarcinoma. Review status: no classification provided. Collection method: in vitro. Allele origin: not applicable. Functional consequence: retained intron. Not counted in ClinVar's aggregate classification.

Dr. Peter K. Rogan Lab, Western University
No classification provided (evidence only). Condition: Malignant tumor of esophagus. Review status: no classification provided. Collection method: in vitro. Allele origin: not applicable. Functional consequence: retained intron. Not counted in ClinVar's aggregate classification.

Dr. Peter K. Rogan Lab, Western University
No classification provided (evidence only). Condition: Malignant tumor of esophagus. Review status: no classification provided. Collection method: in vitro. Allele origin: not applicable. Functional consequence: retained intron. Not counted in ClinVar's aggregate classification.